The following is an entry in ClinVar:

ClinVar aggregate classification (germline): Uncertain significance (1 of 4 stars; one submission).

Conditions:
Intellectual developmental disorder, X-linked 1. Also called: MENTAL RETARDATION, X-LINKED 18; MENTAL RETARDATION, X-LINKED 78; Atkin Flaitz Patil Smith syndrome; Intellectual disability, X-linked 1. Identifiers: Orphanet 777, MedGen C2931498, MONDO:0010656, OMIM 309530.

Submission:

Labcorp Genetics (formerly Invitae), Labcorp
Classification: Uncertain significance for Intellectual developmental disorder, X-linked 1. Last evaluated: 2023-06-27. Review status: criteria provided, single submitter. Criteria: Invitae Variant Classification Sherloc (09022015). Collection method: clinical testing. Allele origin: germline.
Comment: In summary, the available evidence is currently insufficient to determine the role of this variant in disease. Therefore, it has been classified as a Variant of Uncertain Significance. Advanced modeling of protein sequence and biophysical properties (such as structural, functional, and spatial information, amino acid conservation, physicochemical variation, residue mobility, and thermodynamic stability) performed at Invitae indicates that this missense variant is not expected to disrupt IQSEC2 protein function. This variant has not been reported in the literature in individuals affected with IQSEC2-related conditions. This variant is not present in population databases (gnomAD no frequency). This sequence change replaces asparagine, which is neutral and polar, with serine, which is neutral and polar, at codon 58 of the IQSEC2 protein (p.Asn58Ser).

NM_001111125.3(IQSEC2):c.173A>G (p.Asn58Ser)

Gene: IQSEC2 (IQ motif and Sec7 domain ArfGEF 2; minus strand). Cytogenetic location: Xp11.22.
Variant type: single nucleotide variant.
Coding change: c.173A>G on transcript NM_001111125.3 (MANE Select); coding-DNA position 173, A replaced by G.
Protein change: p.Asn58Ser; replaces asparagine 58 with serine.
Molecular consequence: missense variant.
Genome position (GRCh38, 1-based): chrX:53,320,951, T>C on the plus strand (A>G on the coding strand, the complement: IQSEC2 is on the minus strand). VCF-style: chrX-53320951-T-C. GRCh37 (hg19) VCF-style: chrX-53350149-T-C.
Other names: c.173A>G, p.Asn58Ser (NM_001410736.1); short protein forms N58S.
Identifiers: ClinVar variation 2729876 (VCV002729876.3), dbSNP rs2520607481, ClinGen allele CA413239943.